The following is an entry in ClinVar:

NM_004521.3(KIF5B):c.754A>G (p.Lys252Glu)

Gene: KIF5B (kinesin family member 5B; minus strand). Cytogenetic location: 10p11.22.
Variant type: single nucleotide variant.
Coding change: c.754A>G on transcript NM_004521.3 (MANE Select); coding-DNA position 754, A replaced by G.
Protein change: p.Lys252Glu; replaces lysine 252 with glutamic acid.
Molecular consequence: missense variant.
Genome position (GRCh38, 1-based): chr10:32,035,952, T>C on the plus strand (A>G on the coding strand, the complement: KIF5B is on the minus strand). VCF-style: chr10-32035952-T-C. GRCh37 (hg19) VCF-style: chr10-32324880-T-C.
Other names: short protein forms K252E.
Identifiers: ClinVar variation 3781279 (VCV003781279.1).
Genomic context (GRCh38, chr10:32,035,952, plus strand): 5'-TACCCTCAGCCAAAGCAGAAATAACATTTCCAAGAGCAGAAAGTGACTTGTTGATGTTTT[T>C]AGCTTCATCCAGCACAGCACCTTCAGCTCCAGTTTTACTAACCTATACATAAGATTTCAA-3'
Protein context (NP_004512.1, residues 242-262): GAEGAVLDEA[Lys252Glu]NINKSLSALG

ClinVar aggregate classification (germline): Uncertain significance (1 of 4 stars; one submission).

Submission:

GeneDx
Classification: Uncertain significance. Last evaluated: 2024-10-18. Review status: criteria provided, single submitter. Criteria: GeneDx Variant Classification Process June 2021. Collection method: clinical testing. Allele origin: germline. Affected: yes.
Comment: Not observed at significant frequency in large population cohorts (gnomAD); In silico analysis supports that this missense variant has a deleterious effect on protein structure/function; Has not been previously published as pathogenic or benign to our knowledge